The following is an entry in ClinVar:

ClinVar aggregate classification (germline): Uncertain significance (1 of 4 stars; one submission).

Conditions:
Long QT syndrome (LQTS). Identifiers: MedGen C0023976, MeSH D008133, MONDO:0002442. Disease mechanism: loss of function. Inheritance: Various modes of inheritance.

Submission:

Labcorp Genetics (formerly Invitae), Labcorp
Classification: Uncertain significance for Long QT syndrome. Last evaluated: 2024-02-19. Review status: criteria provided, single submitter. Criteria: Invitae Variant Classification Sherloc (09022015). Collection method: clinical testing. Allele origin: germline.
Comment: This sequence change replaces aspartic acid, which is acidic and polar, with asparagine, which is neutral and polar, at codon 446 of the CACNA1C protein (p.Asp446Asn). This variant is not present in population databases (gnomAD no frequency). This variant has not been reported in the literature in individuals affected with CACNA1C-related conditions. Advanced modeling of protein sequence and biophysical properties (such as structural, functional, and spatial information, amino acid conservation, physicochemical variation, residue mobility, and thermodynamic stability) performed at Invitae indicates that this missense variant is expected to disrupt CACNA1C protein function with a positive predictive value of 95%. In summary, the available evidence is currently insufficient to determine the role of this variant in disease. Therefore, it has been classified as a Variant of Uncertain Significance.

NM_000719.7(CACNA1C):c.1336G>A (p.Asp446Asn)

Gene: CACNA1C (calcium voltage-gated channel subunit alpha1 C; plus strand). Cytogenetic location: 12p13.33.
Variant type: single nucleotide variant.
Coding change: c.1336G>A on transcript NM_000719.7 (MANE Select); coding-DNA position 1336, G replaced by A.
Protein change: p.Asp446Asn; replaces aspartic acid 446 with asparagine.
Molecular consequence: missense variant.
Genome position (GRCh38, 1-based): chr12:2,512,930, G>A. VCF-style: chr12-2512930-G-A. GRCh37 (hg19) VCF-style: chr12-2622096-G-A.
Other names: c.1336G>A, p.Asp446Asn (NM_001129827.2, NM_001129829.2, NM_001129830.3 and 18 more transcripts); c.1327G>A, p.Asp443Asn (NM_001129844.2); short protein forms D443N, D446N.
Identifiers: ClinVar variation 3626042 (VCV003626042.2).